The following is an entry in ClinVar:

ClinVar aggregate classification (germline): Pathogenic. Review status: criteria provided, multiple submitters, no conflicts (2 of 4 stars). 3 submissions from 3 submitters: Pathogenic (2). 1 of the submissions does not count toward it. Last evaluated 2024-05-22.

Conditions:
Familial long QT syndrome (RWS). Also called: Congenital long QT syndrome; Romano-Ward syndrome; VENTRICULAR FIBRILLATION WITH PROLONGED QT INTERVAL. Identifiers: Orphanet 768, MedGen C1141890, MONDO:0019171.
Long QT syndrome (LQTS). Identifiers: MedGen C0023976, MeSH D008133, MONDO:0002442. Disease mechanism: loss of function. Inheritance: Various modes of inheritance.

Submissions (3):

Labcorp Genetics (formerly Invitae), Labcorp
Classification: Pathogenic for Long QT syndrome. Last evaluated: 2024-05-22. Review status: criteria provided, single submitter. Criteria: Invitae Variant Classification Sherloc (09022015). Collection method: clinical testing. Allele origin: germline.
Comment: This sequence change replaces alanine, which is neutral and non-polar, with threonine, which is neutral and polar, at codon 422 of the KCNH2 protein (p.Ala422Thr). This variant is not present in population databases (gnomAD no frequency). This missense change has been observed in individuals with long QT Syndrome (PMID: 15242738, 15840476, 25254341). ClinVar contains an entry for this variant (Variation ID: 67174). An algorithm developed to predict the effect of missense changes on protein structure and function (PolyPhen-2) suggests that this variant is likely to be disruptive. Experimental studies have shown that this missense change affects KCNH2 function (PMID: 15242738, 16432067, 22580281, 23303164, 29904349, 31557540). This variant disrupts the p.Ala422 amino acid residue in KCNH2. Other variant(s) that disrupt this residue have been observed in individuals with KCNH2-related conditions (PMID: 28794082), which suggests that this may be a clinically significant amino acid residue. For these reasons, this variant has been classified as Pathogenic.

GeneDx
Classification: Pathogenic. Last evaluated: 2012-07-31. Review status: criteria provided, single submitter. Criteria: GeneDx Variant Classification (06012015). Collection method: clinical testing. Allele origin: germline. Affected: yes.
Comment: p.Ala422Thr (GCT>ACT):c.1264 G>A in exon 6 of the KCNH2 gene (NM_000238.2)The Ala422Thr mutation in the KCNH2 gene has been reported in association with LQTS (Tester D et al., 2005; Anderson C et al., 2006). Tester et al. identified Ala422Thr in one patient with LQTS and it was absent from 1,400 reference alleles tested. Functional studies performed report Ala422Thr utilizes a dominant mechanism leading to a loss of function of the ion channel (Anderson C et al., 2006). Ala422Thr results in a non-conservative amino acid substitution of a non-polar Alanine residue with a polar Threonine residue. Also, mutations in nearby codons (Tyr420Cys, Thr421Met, Pro426His, Tyr427Cys) have been reported in association with LQTS, further supporting the functional importance of this region of the protein.In summary, Ala422Thr in the KCNH2 gene is interpreted as a disease-causing mutation. The variant is found in LQT panel(s).

Cardiovascular Biomedical Research Unit, Royal Brompton & Harefield NHS Foundation Trust
No classification provided. Condition: Familial long QT syndrome. Review status: no classification provided. Collection method: literature only. Allele origin: germline. Not counted in ClinVar's aggregate classification.
Comment: This variant has been reported as associated with Long QT syndrome in the following publications (PMID:15242738;PMID:15840476;PMID:16432067;PMID:22580281). This is a literature report, and does not necessarily reflect the clinical interpretation of the Imperial College / Royal Brompton Cardiovascular Genetics laboratory.

Literature cited by the submitters: PubMed 15242738 (cited by Labcorp Genetics (formerly Invitae), Labcorp and Cardiovascular Biomedical Research Unit, Royal Brompton & Harefield NHS Foundation Trust); PubMed 15840476 (cited by Labcorp Genetics (formerly Invitae), Labcorp and Cardiovascular Biomedical Research Unit, Royal Brompton & Harefield NHS Foundation Trust); PubMed 25254341 (cited by Labcorp Genetics (formerly Invitae), Labcorp); PubMed 16432067 (cited by Labcorp Genetics (formerly Invitae), Labcorp and Cardiovascular Biomedical Research Unit, Royal Brompton & Harefield NHS Foundation Trust); PubMed 22580281 (cited by Labcorp Genetics (formerly Invitae), Labcorp and Cardiovascular Biomedical Research Unit, Royal Brompton & Harefield NHS Foundation Trust); PubMed 23303164 (cited by Labcorp Genetics (formerly Invitae), Labcorp); PubMed 29904349 (cited by Labcorp Genetics (formerly Invitae), Labcorp); PubMed 31557540 (cited by Labcorp Genetics (formerly Invitae), Labcorp); PubMed 28794082 (cited by Labcorp Genetics (formerly Invitae), Labcorp); PubMed 22581653 (cited by Cardiovascular Biomedical Research Unit, Royal Brompton & Harefield NHS Foundation Trust).

NM_000238.4(KCNH2):c.1264G>A (p.Ala422Thr)

Gene: KCNH2 (potassium voltage-gated channel subfamily H member 2; minus strand). Cytogenetic location: 7q36.1.
Variant type: single nucleotide variant.
Coding change: c.1264G>A on transcript NM_000238.4 (MANE Select); coding-DNA position 1264, G replaced by A.
Protein change: p.Ala422Thr; replaces alanine 422 with threonine.
Molecular consequence: missense variant.
Genome position (GRCh38, 1-based): chr7:150,952,718, C>T on the plus strand (G>A on the coding strand, the complement: KCNH2 is on the minus strand). VCF-style: chr7-150952718-C-T. GRCh37 (hg19) VCF-style: chr7-150649806-C-T.
Other names: p.A422T:GCT>ACT; c.1264G>A (LRG_288t1); c.244G>A, p.Ala82Thr (NM_001204798.2, NM_172057.3); c.976G>A, p.Ala326Thr (NM_001406753.1, NM_001406756.1); c.1087G>A, p.Ala363Thr (NM_001406755.1); c.964G>A, p.Ala322Thr (NM_001406757.1); c.1264G>A, p.Ala422Thr (NM_172056.3); short protein forms A422T, A82T, A322T, A363T, A326T.
Identifiers: ClinVar variation 67174 (VCV000067174.7), dbSNP rs199472895, ClinGen allele CA004358.